The following is an entry in ClinVar:

ClinVar aggregate classification (germline): Uncertain significance (1 of 4 stars; one submission).

Allele frequency attached by ClinVar (database versions not stated): ESP Exome Variant Server 0.00008.
gnomAD v4.1: 42 of 1,612,808 alleles (0.0026%); highest among the groups gnomAD compares: Non-Finnish European, 0.0033%; no homozygotes.

Submission:

Labcorp Genetics (formerly Invitae), Labcorp
Classification: Uncertain significance. Last evaluated: 2022-07-30. Review status: criteria provided, single submitter. Criteria: Invitae Variant Classification Sherloc (09022015). Collection method: clinical testing. Allele origin: germline.
Comment: This sequence change falls in intron 13 of the LAMC3 gene. It does not directly change the encoded amino acid sequence of the LAMC3 protein. This variant is present in population databases (rs369251232, gnomAD 0.004%). This variant has not been reported in the literature in individuals affected with LAMC3-related conditions. ClinVar contains an entry for this variant (Variation ID: 1513022). Algorithms developed to predict the effect of sequence changes on RNA splicing suggest that this variant may disrupt the consensus splice site. In summary, the available evidence is currently insufficient to determine the role of this variant in disease. Therefore, it has been classified as a Variant of Uncertain Significance.

NM_006059.4(LAMC3):c.2348-20C>G

Gene: LAMC3 (laminin subunit gamma 3; plus strand). Cytogenetic location: 9q34.12.
Variant type: single nucleotide variant.
Coding change: c.2348-20C>G on transcript NM_006059.4 (MANE Select); 20 bases into the intron before coding-DNA position 2348, C replaced by G.
Molecular consequence: intron variant.
Genome position (GRCh38, 1-based): chr9:131,066,940, C>G. VCF-style: chr9-131066940-C-G. GRCh37 (hg19) VCF-style: chr9-133942327-C-G.
Identifiers: ClinVar variation 1513022 (VCV001513022.3), dbSNP rs369251232, ClinGen allele CA5287412.
Genomic context (GRCh38, chr9:131,066,940, plus strand): 5'-CTTGCTCTGCTTCACACCCACCCTCATCCCTGGTGGGTCCAGCCAGCTGTGTTCCCCACA[C>G]GTGCTCCCTCTACACACAGGGCGGCGCTGTGAGGTCTGTGATGATGGCTTTTTTGGGGAC-3'